The following is an entry in ClinVar:

ClinVar aggregate classification (germline): Uncertain significance (1 of 4 stars; one submission).

Conditions:
Hereditary nonpolyposis colorectal neoplasms. Identifiers: MedGen C0009405, MeSH D003123.

Allele frequency attached by ClinVar (database versions not stated): ExAC 0.00001.
gnomAD v4.1: 1 of 1,613,948 alleles (0.000062%); highest among the groups gnomAD compares: African/African-American, 0.0013%; no homozygotes.

Submission:

Labcorp Genetics (formerly Invitae), Labcorp
Classification: Uncertain significance for Hereditary nonpolyposis colorectal neoplasms. Last evaluated: 2023-05-13. Review status: criteria provided, single submitter. Criteria: Invitae Variant Classification Sherloc (09022015). Collection method: clinical testing. Allele origin: germline.
Comment: This sequence change falls in intron 3 of the MSH6 gene. It does not directly change the encoded amino acid sequence of the MSH6 protein. In summary, the available evidence is currently insufficient to determine the role of this variant in disease. Therefore, it has been classified as a Variant of Uncertain Significance. Algorithms developed to predict the effect of sequence changes on RNA splicing suggest that this variant may disrupt the consensus splice site. This variant has not been reported in the literature in individuals affected with MSH6-related conditions. This variant is present in population databases (rs748977698, gnomAD 0.007%).

NM_000179.3(MSH6):c.627+14A>C

Gene: MSH6 (mutS homolog 6; plus strand). Cytogenetic location: 2p16.3.
Variant type: single nucleotide variant.
Coding change: c.627+14A>C on transcript NM_000179.3 (MANE Select); 14 bases into the intron after coding-DNA position 627, A replaced by C.
Molecular consequence: intron variant.
Genome position (GRCh38, 1-based): chr2:47,796,077, A>C. VCF-style: chr2-47796077-A-C. GRCh37 (hg19) VCF-style: chr2-48023216-A-C.
Other names: c.330+14A>C (NM_001406801.1, NM_001406818.1, NM_001406821.1 and 10 more transcripts); c.102+14A>C (NM_001406806.1, NM_001406807.1, NM_001406799.1); c.-279-2534A>C (NM_001406815.1, NM_001406829.1, NM_001406823.1 and 4 more transcripts); c.459+14A>C (NM_001406826.1); c.-276+14A>C (NM_001281494.2); c.627+14A>C (NM_001406809.1, NM_001406796.1, NM_001406808.1 and 5 more transcripts); c.723+14A>C (NM_001406795.1, NM_001406802.1); c.633+14A>C (NM_001406813.1); and 3 more.
Identifiers: ClinVar variation 2863809 (VCV002863809.3), dbSNP rs748977698, ClinGen allele CA073172.
Genomic context (GRCh38, chr2:47,796,077, plus strand): 5'-CAGTTTGTGATGAGCCCTCAGAGCCAGAAGAGGAAGAAGAGATGGAGGTGGGACACGGCA[A>C]GCATTCAGTTGTTATTTATGTTAGGGTGATGGGGGAAGAAAGGGGGAGGGTGTATTAACA-3'